The following is an entry in ClinVar:

ClinVar aggregate classification (germline): Uncertain significance (1 of 4 stars; one submission).

Allele frequency attached by ClinVar (database versions not stated): gnomAD 0.00003; gnomAD exomes 0.00003; TOPMed 0.00003; ExAC 0.00008; ESP Exome Variant Server 0.00015.
gnomAD v4.1: 50 of 1,612,838 alleles (0.0031%); highest among the groups gnomAD compares: South Asian, 0.0077%; no homozygotes.

Submission:

Labcorp Genetics (formerly Invitae), Labcorp
Classification: Uncertain significance. Last evaluated: 2025-12-11. Review status: criteria provided, single submitter. Criteria: Invitae Variant Classification Sherloc (09022015). Collection method: clinical testing. Allele origin: germline.
Comment: This sequence change replaces glycine, which is neutral and non-polar, with arginine, which is basic and polar, at codon 535 of the MMP14 protein (p.Gly535Arg). This variant is present in population databases (rs138052455, gnomAD 0.009%). This variant has not been reported in the literature in individuals affected with MMP14-related conditions. ClinVar contains an entry for this variant (Variation ID: 1916771). An algorithm developed to predict the effect of missense changes on protein structure and function (PolyPhen-2) suggests that this variant is likely to be disruptive. In summary, the available evidence is currently insufficient to determine the role of this variant in disease. Therefore, it has been classified as a Variant of Uncertain Significance.

NM_004995.4(MMP14):c.1603G>A (p.Gly535Arg)

Gene: MMP14 (matrix metallopeptidase 14; plus strand). Cytogenetic location: 14q11.2.
Variant type: single nucleotide variant.
Coding change: c.1603G>A on transcript NM_004995.4 (MANE Select); coding-DNA position 1603, G replaced by A.
Protein change: p.Gly535Arg; replaces glycine 535 with arginine.
Molecular consequence: missense variant.
Genome position (GRCh38, 1-based): chr14:22,845,893, G>A. VCF-style: chr14-22845893-G-A. GRCh37 (hg19) VCF-style: chr14-23315102-G-A.
Other names: short protein forms G535R.
Identifiers: ClinVar variation 1916771 (VCV001916771.5), dbSNP rs138052455, ClinGen allele CA7105523.